The following is an entry in ClinVar:

ClinVar aggregate classification (germline): Uncertain significance. Review status: criteria provided, multiple submitters, no conflicts (2 of 4 stars). 3 submissions from 3 submitters: Uncertain significance (2). 1 of the submissions does not count toward it. Last evaluated 2022-08-26.

Conditions:
Neuronal ceroid lipofuscinosis 2. Also called: TPP1-Related Neuronal Ceroid-Lipofuscinosis; JANSKY-BIELSCHOWSKY DISEASE NEURONAL CEROID LIPOFUSCINOSIS, LATE INFANTILE. Identifiers: Orphanet 168491, Orphanet 228349, Orphanet 79264, MedGen C1876161, MONDO:0008769, OMIM 204500.

Allele frequency attached by ClinVar (database versions not stated): gnomAD exomes 0.00001; TOPMed below 0.00001; gnomAD 0.00001.
gnomAD v4.1: 8 of 1,613,966 alleles (0.0005%); highest among the groups gnomAD compares: Non-Finnish European, 0.00068%; no homozygotes.

Submissions (3):

Labcorp Genetics (formerly Invitae), Labcorp
Classification: Uncertain significance. Last evaluated: 2022-08-26. Review status: criteria provided, single submitter. Criteria: Invitae Variant Classification Sherloc (09022015). Collection method: clinical testing. Allele origin: germline.
Comment: This sequence change replaces glycine, which is neutral and non-polar, with arginine, which is basic and polar, at codon 171 of the TPP1 protein (p.Gly171Arg). This variant is not present in population databases (gnomAD no frequency). This variant has not been reported in the literature in individuals affected with TPP1-related conditions. ClinVar contains an entry for this variant (Variation ID: 423901). Algorithms developed to predict the effect of missense changes on protein structure and function are either unavailable or do not agree on the potential impact of this missense change (SIFT: "Deleterious"; PolyPhen-2: "Probably Damaging"; Align-GVGD: "Class C0"). In summary, the available evidence is currently insufficient to determine the role of this variant in disease. Therefore, it has been classified as a Variant of Uncertain Significance.

GeneDx
Classification: Uncertain significance. Last evaluated: 2018-10-02. Review status: criteria provided, single submitter. Criteria: GeneDx Variant Classification (06012015). Collection method: clinical testing. Allele origin: germline. Affected: yes.
Comment: A variant of uncertain significance has been identified in the TPP1 gene. The G171R variant has not been published as a pathogenic variant, nor has it been reported as a benign variant to our knowledge. The TPP1 variant is not observed in large population cohorts (Lek et al., 2016; 1000 Genomes Consortium et al., 2015; Exome Variant Server). The G171R variant is a non-conservative amino acid substitution, which is likely to impact secondary protein structure as these residues differ in polarity, charge, size and/or other properties. In silico analysis predicts this variant is probably damaging to the protein structure/function. However, this substitution occurs at a position that is not conserved. Therefore, based on the currently available information, it is unclear whether this variant is a pathogenic variant or a rare benign variant.

Natera, Inc.
Classification: Uncertain significance for Neuronal ceroid lipofuscinosis 2. Last evaluated: 2020-08-14. Review status: no assertion criteria provided. Collection method: clinical testing. Allele origin: germline. Not counted in ClinVar's aggregate classification.

NM_000391.4(TPP1):c.511G>C (p.Gly171Arg)

Gene: TPP1 (tripeptidyl peptidase 1; minus strand). Cytogenetic location: 11p15.4.
Variant type: single nucleotide variant.
Coding change: c.511G>C on transcript NM_000391.4 (MANE Select); coding-DNA position 511, G replaced by C.
Protein change: p.Gly171Arg; replaces glycine 171 with arginine.
Molecular consequence: missense variant.
Genome position (GRCh38, 1-based): chr11:6,617,151, C>G on the plus strand (G>C on the coding strand, the complement: TPP1 is on the minus strand). VCF-style: chr11-6617151-C-G. GRCh37 (hg19) VCF-style: chr11-6638382-C-G.
Other names: short protein forms G171R.
Identifiers: ClinVar variation 423901 (VCV000423901.5), dbSNP rs994636765, ClinGen allele CA16619374.